The following is an entry in ClinVar:

NM_006846.4(SPINK5):c.2847_2851dup (p.Met951fs)

Gene: SPINK5 (serine peptidase inhibitor Kazal type 5; plus strand). Cytogenetic location: 5q32.
Variant type: Duplication.
Coding change: c.2847_2851dup on transcript NM_006846.4 (MANE Select); coding-DNA positions 2847 to 2851, 5 bases duplicated (CTACA; older notation c.2847_2851dupCTACA).
Protein change: p.Met951fs; shifts the reading frame from methionine 951.
Molecular consequence: frameshift variant.
Genome position (GRCh38, 1-based): chr5:148,125,830-148,125,834, CTACA duplicated. VCF-style (leftmost placement, unchanged base first): chr5-148125829-G-GCTACA. GRCh37 (hg19) VCF-style: chr5-147505392-G-GCTACA.
Other names: c.2937_2941dup, p.Met981fs (NM_001127698.2); short protein forms M951fs, M981fs.
Identifiers: ClinVar variation 2712648 (VCV002712648.3), dbSNP rs2531807956, ClinGen allele CA2578443737.

ClinVar aggregate classification (germline): Pathogenic (1 of 4 stars; one submission).

Conditions:
Ichthyosis linearis circumflexa. Identifiers: MedGen C0265962, MONDO:0043106, HP:0025810.

Submission:

Labcorp Genetics (formerly Invitae), Labcorp
Classification: Pathogenic for Ichthyosis linearis circumflexa. Last evaluated: 2024-02-23. Review status: criteria provided, single submitter. Criteria: Invitae Variant Classification Sherloc (09022015). Collection method: clinical testing. Allele origin: germline.
Comment: This sequence change creates a premature translational stop signal (p.Met951Thrfs*9) in the SPINK5 gene. It is expected to result in an absent or disrupted protein product. Loss-of-function variants in SPINK5 are known to be pathogenic (PMID: 11511292, 11841556). This variant is not present in population databases (gnomAD no frequency). This variant has not been reported in the literature in individuals affected with SPINK5-related conditions. For these reasons, this variant has been classified as Pathogenic.

Literature cited by the submitters: PubMed 11511292; PubMed 11841556.